The following is an entry in ClinVar:

ClinVar aggregate classification (germline): Uncertain significance (1 of 4 stars; one submission).

Allele frequency attached by ClinVar (database versions not stated): ExAC 0.00001.
gnomAD v4.1: 4 of 1,613,718 alleles (0.00025%); highest among the groups gnomAD compares: Non-Finnish European, 0.00034%; no homozygotes.

Submission:

Labcorp Genetics (formerly Invitae), Labcorp
Classification: Uncertain significance. Last evaluated: 2024-04-01. Review status: criteria provided, single submitter. Criteria: Invitae Variant Classification Sherloc (09022015). Collection method: clinical testing. Allele origin: germline.
Comment: This sequence change replaces threonine, which is neutral and polar, with proline, which is neutral and non-polar, at codon 275 of the TBX15 protein (p.Thr275Pro). This variant is not present in population databases (gnomAD no frequency). This variant has not been reported in the literature in individuals affected with TBX15-related conditions. ClinVar contains an entry for this variant (Variation ID: 1908018). Advanced modeling of protein sequence and biophysical properties (such as structural, functional, and spatial information, amino acid conservation, physicochemical variation, residue mobility, and thermodynamic stability) performed at Invitae indicates that this missense variant is not expected to disrupt TBX15 protein function with a negative predictive value of 80%. In summary, the available evidence is currently insufficient to determine the role of this variant in disease. Therefore, it has been classified as a Variant of Uncertain Significance.

NM_001330677.2(TBX15):c.1141A>C (p.Thr381Pro)

Gene: TBX15 (T-box transcription factor 15; minus strand). Cytogenetic location: 1p12.
Variant type: single nucleotide variant.
Coding change: c.1141A>C on transcript NM_001330677.2 (MANE Select); coding-DNA position 1141, A replaced by C.
Protein change: p.Thr381Pro; replaces threonine 381 with proline.
Molecular consequence: missense variant.
Genome position (GRCh38, 1-based): chr1:118,885,400, T>G on the plus strand (A>C on the coding strand, the complement: TBX15 is on the minus strand). VCF-style: chr1-118885400-T-G. GRCh37 (hg19) VCF-style: chr1-119428023-T-G.
Other names: c.823A>C, p.Thr275Pro (NM_152380.3); short protein forms T275P, T381P.
Identifiers: ClinVar variation 1908018 (VCV001908018.5), dbSNP rs745705458, ClinGen allele CA1034886.